The following is an entry in ClinVar:

NM_032634.4(PIGO):c.2435T>C (p.Leu812Ser)

Gene: PIGO (phosphatidylinositol glycan anchor biosynthesis class O; minus strand). Cytogenetic location: 9p13.3.
Variant type: single nucleotide variant.
Coding change: c.2435T>C on transcript NM_032634.4 (MANE Select); coding-DNA position 2435, T replaced by C.
Protein change: p.Leu812Ser; replaces leucine 812 with serine.
Molecular consequence: missense variant. On other transcripts: intron variant (2).
Genome position (GRCh38, 1-based): chr9:35,091,452, A>G on the plus strand (T>C on the coding strand, the complement: PIGO is on the minus strand). VCF-style: chr9-35091452-A-G. GRCh37 (hg19) VCF-style: chr9-35091449-A-G.
Other names: c.2435T>C (NM_032634.3); c.1345-161T>C (NM_152850.4, NM_001201484.2); short protein forms L812S.
Identifiers: ClinVar variation 1046032 (VCV001046032.6), dbSNP rs746967719, ClinGen allele CA5040412.

ClinVar aggregate classification (germline): Uncertain significance. Review status: criteria provided, multiple submitters, no conflicts (2 of 4 stars). 2 submissions from 2 submitters: Uncertain significance (2). Last evaluated 2023-12-30.

Conditions:
Hyperphosphatasia with impaired intellectual development syndrome 2. Also called: Hyperphosphatasia with intellectual disability syndrome 2; GLYCOSYLPHOSPHATIDYLINOSITOL BIOSYNTHESIS DEFECT 6. Identifiers: Orphanet 247262, MedGen C3553637, MONDO:0013882, OMIM 614749.
Inborn genetic diseases. Identifiers: MedGen C0950123, MeSH D030342.

Allele frequency attached by ClinVar (database versions not stated): gnomAD exomes 0.00001; gnomAD 0.00001; TOPMed below 0.00001; ExAC 0.00001.
gnomAD v4.1: 16 of 1,601,564 alleles (0.001%); highest among the groups gnomAD compares: Non-Finnish European, 0.0013%; no homozygotes.

Submissions (2):

Ambry Genetics
Classification: Uncertain significance for Inborn genetic diseases. Last evaluated: 2023-12-30. Review status: criteria provided, single submitter. Criteria: Ambry Variant Classification Scheme 2023. Collection method: clinical testing. Allele origin: germline.

Labcorp Genetics (formerly Invitae), Labcorp
Classification: Uncertain significance for Hyperphosphatasia with impaired intellectual development syndrome 2. Last evaluated: 2021-09-01. Review status: criteria provided, single submitter. Criteria: Invitae Variant Classification Sherloc (09022015). Collection method: clinical testing. Allele origin: germline.
Comment: This sequence change replaces leucine with serine at codon 812 of the PIGO protein (p.Leu812Ser). The leucine residue is moderately conserved and there is a large physicochemical difference between leucine and serine. This variant is present in population databases (rs746967719, ExAC 0.001%). This variant has not been reported in the literature in individuals affected with PIGO-related conditions. Algorithms developed to predict the effect of missense changes on protein structure and function (SIFT, PolyPhen-2, Align-GVGD) all suggest that this variant is likely to be tolerated. In summary, the available evidence is currently insufficient to determine the role of this variant in disease. Therefore, it has been classified as a Variant of Uncertain Significance.